The following is an entry in ClinVar:

NM_004380.3(CREBBP):c.6609_6614dup (p.Gln2216_Gly2217insGlnGln)

Gene: CREBBP (CREB binding lysine acetyltransferase; minus strand). Cytogenetic location: 16p13.3.
Variant type: Duplication.
Coding change: c.6609_6614dup on transcript NM_004380.3 (MANE Select); coding-DNA positions 6609 to 6614, 6 bases duplicated (ACAGCA; older notation c.6609_6614dupACAGCA).
Protein change: p.Gln2216_Gly2217insGlnGln.
Molecular consequence: inframe insertion.
Genome position (GRCh38, 1-based): chr16:3,728,433-3,728,438, TGCTGT duplicated on the plus strand (ACAGCA on the coding strand, the reverse complement: CREBBP is on the minus strand); duplicating any 6 consecutive bases within chr16:3,728,433-3,728,443 gives the same sequence; the c. name uses the placement nearest the transcript's 3' end. VCF-style (leftmost placement, unchanged base first): chr16-3728432-C-CTGCTGT. GRCh37 (hg19) VCF-style: chr16-3778433-C-CTGCTGT.
Other names: c.6495_6500dup, p.Gln2178_Gly2179insGlnGln (NM_001079846.1).
Identifiers: ClinVar variation 4805665 (VCV004805665.1).

ClinVar aggregate classification (germline): Uncertain significance (1 of 4 stars; one submission).

Conditions:
Rubinstein-Taybi syndrome (RSTS). Identifiers: Orphanet 783, MedGen C0035934, MONDO:0019188.

Submission:

Labcorp Genetics (formerly Invitae), Labcorp
Classification: Uncertain significance for Rubinstein-Taybi syndrome. Last evaluated: 2025-12-01. Review status: criteria provided, single submitter. Criteria: Invitae Variant Classification Sherloc (09022015). Collection method: clinical testing. Allele origin: germline.
Comment: This variant, c.6609_6614dup, results in the insertion of 2 amino acid(s) of the CREBBP protein (p.Gln2215_Gln2216dup), but otherwise preserves the integrity of the reading frame. This variant is not present in population databases (gnomAD no frequency). This variant has not been reported in the literature in individuals affected with CREBBP-related conditions. Experimental studies and prediction algorithms are not available or were not evaluated, and the functional significance of this variant is currently unknown. In summary, the available evidence is currently insufficient to determine the role of this variant in disease. Therefore, it has been classified as a Variant of Uncertain Significance.